The following is an entry in ClinVar:

NM_006231.4(POLE):c.6064A>C (p.Ser2022Arg)

Gene: POLE (DNA polymerase epsilon, catalytic subunit; minus strand). Cytogenetic location: 12q24.33.
Variant type: single nucleotide variant.
Coding change: c.6064A>C on transcript NM_006231.4 (MANE Select); coding-DNA position 6064, A replaced by C.
Protein change: p.Ser2022Arg; replaces serine 2022 with arginine.
Molecular consequence: missense variant.
Genome position (GRCh38, 1-based): chr12:132,632,736, T>G on the plus strand (A>C on the coding strand, the complement: POLE is on the minus strand). VCF-style: chr12-132632736-T-G. GRCh37 (hg19) VCF-style: chr12-133209322-T-G.
Other names: short protein forms S2022R.
Identifiers: ClinVar variation 3422231 (VCV003422231.1).
Genomic context (GRCh38, chr12:132,632,736, plus strand): 5'-CGACCGCCCCCTCGGCCTCCTGGGAGAGCTGGCTGGCCCCCCTCCTCCTCACGGGGGTGC[T>G]CCCTGGAGCACTGCGCCTCAGCCCGTCCTTCATGCAGTGGTACACGGCCACGATGTACGC-3'
Protein context (NP_006222.2, residues 2012-2032): KDGLRRSAPG[Ser2022Arg]TPVRRRGASQ

ClinVar aggregate classification (germline): Uncertain significance (1 of 4 stars; one submission).

Conditions:
Hereditary cancer-predisposing syndrome. Also called: Neoplastic Syndromes, Hereditary; Tumor predisposition; Hereditary Cancer Syndrome; Hereditary neoplastic syndrome. Identifiers: Orphanet 140162, MedGen C0027672, MeSH D009386, MONDO:0015356.

gnomAD v4.1: 2 of 1,613,388 alleles (0.00012%); highest among the groups gnomAD compares: Non-Finnish European, 0.00017%; no homozygotes.

Submission:

Ambry Genetics
Classification: Uncertain significance for Hereditary cancer-predisposing syndrome. Last evaluated: 2024-11-28. Review status: criteria provided, single submitter. Criteria: Ambry Variant Classification Scheme 2023. Collection method: clinical testing. Allele origin: germline.
Comment: The p.S2022R variant (also known as c.6064A>C), located in coding exon 44 of the POLE gene, results from an A to C substitution at nucleotide position 6064. The serine at codon 2022 is replaced by arginine, an amino acid with dissimilar properties. This amino acid position is conserved. In addition, this alteration is predicted to be tolerated by in silico analysis. Based on the available evidence, the clinical significance of this variant remains unclear.